The following continues an entry in ClinVar:

NM_058216.3(RAD51C):c.905-2_905-1del

Gene: RAD51C. ClinVar aggregate classification (germline): Pathogenic/Likely pathogenic. Pathogenic (18); Likely pathogenic (4).

Submissions 11 to 25 of 25:

Ambry Genetics
Classification: Pathogenic for Hereditary cancer-predisposing syndrome. Last evaluated: 2023-12-27. Review status: criteria provided, single submitter. Criteria: Ambry Variant Classification Scheme 2023. Collection method: clinical testing. Allele origin: germline.
Comment: The c.905-2_905-1delAG pathogenic mutation results from the deletion of two nucleotides located before the first nucleotide of coding exon 7 in the RAD51C gene. This alteration has been seen in multiple patients with personal and family histories of breast and ovarian cancer (Song H et al. J. Clin. Oncol. 2015 Sep;33:2901-7; Lhota F et al. Clin. Genet. 2016 Oct;90(4):324-33; Li N et al. J. Natl. Cancer Inst. 2019 Apr; Rizzolo et al. Int. J. Cancer. 2019). In a large case control study, the c.905-2_905-1delAG variant was not seen in over 3000 pancreatic cancer patients (Hu C et al. JAMA. 2018 06;319:2401-2409). In another case control study, the c.905-2_905-1delAG variant was found to be statistically associated with breast cancer (OR= 6.9, 95% CI 1.34-35.61, p=0.02) (Sanoguera-Miralles L et al. Cancers (Basel), 2020 Dec;12:). The deleted nucleotide positions are highly conserved in available vertebrate species. In silico splice site analysis predicts that this alteration will weaken the native splice acceptor site. RNA analyses have shown that this alteration results in skipping of exon 7 and the creation of an out of frame transcript (Lhota F et al. Clin. Genet. 2016 Oct;90(4):324-33, Ambry internal data). Based on the supporting evidence, this alteration is interpreted as a disease-causing mutation.

Baylor Genetics
Classification: Pathogenic for Breast-ovarian cancer, familial, susceptibility to, 3. Last evaluated: 2023-10-04. Review status: criteria provided, single submitter. Criteria: ACMG Guidelines, 2015. Collection method: clinical testing. Allele origin: unknown.

Color Diagnostics, LLC DBA Color Health
Classification: Pathogenic for Hereditary cancer-predisposing syndrome. Last evaluated: 2023-07-06. Review status: criteria provided, single submitter. Criteria: ACMG Guidelines, 2015. Collection method: clinical testing. Allele origin: germline.
Comment: This variant deletes the last two nucleotides in intron 6 of the RAD51C gene. This variant is also known as c.905-2delAG and c.905-2_1delAG in the literature. Splice site prediction tools predict that this variant may have a significant impact on RNA splicing. RNA studies have shown that this variant results in the skipping of exon 7 (r.905_965del) that is predicted to result in an absent or non-functional protein product (PMID: 26822949, 33333735). This variant has been observed in individuals affected with ovarian cancer, breast cancer, or pancreatic cancer (PMID: 26261251, 26822949, 30333958, 30613976, 33471991, 37065479). This variant has been identified in 3/251328 chromosomes in the general population by the Genome Aggregation Database (gnomAD). Loss of RAD51C function is a known mechanism of disease. Based on the available evidence, this variant is classified as Pathogenic.

Myriad Genetics, Inc.
Classification: Likely pathogenic for Breast-ovarian cancer, familial, susceptibility to, 3. Last evaluated: 2023-04-05. Review status: criteria provided, single submitter. Criteria: Myriad Autosomal Dominant, Autosomal Recessive and X-Linked Classification Criteria (2023). Collection method: clinical testing. Allele origin: unknown.
Comment: This variant is considered likely pathogenic. This variant occurs within a consensus splice junction and is predicted to result in abnormal mRNA splicing of either an out-of-frame exon or an in-frame exon necessary for protein stability and/or normal function.

Women's Health and Genetics/Laboratory Corporation of America, LabCorp
Classification: Pathogenic for Hereditary breast ovarian cancer syndrome. Last evaluated: 2022-06-09. Review status: criteria provided, single submitter. Criteria: LabCorp Variant Classification Summary - May 2015. Collection method: clinical testing. Allele origin: germline.
Comment: Variant summary: RAD51C c.905-2_905-1delAG is located in a canonical splice-site and is predicted to affect mRNA splicing resulting in a significantly altered protein due to either exon skipping, shortening, or inclusion of intronic material. Several computational tools predict a significant impact on normal splicing: Four predict the variant abolishes a 3' acceptor site. This has been confirmed via cDNA sequencing (Lhota_2016) and a minigene splicing assay (Sanoguera-Miralles_2020). The variant allele was found at a frequency of 1.2e-05 in 251328 control chromosomes (gnomAD). c.905-2_905-1delAG has been reported in the literature in multiple individuals affected with Breast and Ovarian Cancer (e.g. Song_2015, Lu_2015, Lhota_2016, Rizzolo_2019, Cerretini_2019, Dorling_2021). These data indicate that the variant is likely to be associated with disease. Nine ClinVar submitters have assessed the variant since 2014: one classified the variant as of uncertain significance, four as likely pathogenic, and four as pathogenic. Based on the evidence outlined above, the variant was classified as pathogenic.

GeneDx
Classification: Pathogenic. Last evaluated: 2022-05-07. Review status: criteria provided, single submitter. Criteria: GeneDx Variant Classification Process June 2021. Collection method: clinical testing. Allele origin: germline. Affected: yes.
Comment: Canonical splice site variant predicted to result in a null allele in a gene for which loss of function is a known mechanism of disease; Not observed at significant frequency in large population cohorts (gnomAD); Published functional studies demonstrate a damaging effect: exon skipping (Lhota 2016); This variant is associated with the following publications: (PMID: 26261251, 28152038, 26822949, 31446535, 29625052, 26689913, 33333735, 30613976)

CHEO Genetics Diagnostic Laboratory, Children's Hospital of Eastern Ontario
Classification: Likely pathogenic for Breast and/or ovarian cancer. Last evaluated: 2022-03-18. Review status: criteria provided, single submitter. Criteria: ACMG Guidelines, 2015. Collection method: clinical testing. Allele origin: germline.

MGZ Medical Genetics Center
Classification: Pathogenic for Breast-ovarian cancer, familial, susceptibility to, 3. Last evaluated: 2022-02-07. Review status: criteria provided, single submitter. Criteria: ACMG Guidelines, 2015. Collection method: clinical testing. Allele origin: germline. Affected: yes. Observed: 2 variant alleles.
Comment: ACMG criteria applied: PVS1, PS4_MOD, PM2_SUP

Institute of Medical Genetics and Applied Genomics, University Hospital Tübingen
Classification: Likely pathogenic. Last evaluated: 2020-10-23. Review status: criteria provided, single submitter. Criteria: ACMG Guidelines, 2015. Collection method: clinical testing. Allele origin: germline. Inheritance: Unknown mechanism. Affected: yes.

Department of Molecular Diagnostics, Institute of Oncology Ljubljana
Classification: Pathogenic for Breast-ovarian cancer, familial, susceptibility to, 3. Last evaluated: 2020-04-02. Review status: criteria provided, single submitter. Criteria: ACMG Guidelines, 2015. Collection method: clinical testing. Allele origin: germline. Affected: yes.

Juno Genomics, Hangzhou Juno Genomics, Inc
Classification: Pathogenic for Breast-ovarian cancer, familial, susceptibility to, 3; Fanconi anemia complementation group O. Review status: criteria provided, single submitter. Criteria: ACMG Guidelines, 2015. Collection method: clinical testing. Allele origin: germline.
Comment: Absent from controls (or at extremely low frequency if recessive) in Genome Aggregation Database.;Null variant in a gene where loss of function (LOF) is a known mechanism of disease.;The prevalence of the variant in affected individuals is significantly increased compared to the prevalence in controls.

UNC Molecular Genetics  Laboratory, University of North Carolina at Chapel Hill
Classification: Pathogenic for Breast-ovarian cancer, familial 3. Review status: criteria provided, single submitter. Criteria: ACMG Guidelines, 2015. Collection method: research. Allele origin: germline. Affected: no. Observed: 1 variant allele. Study: NSIGHT-NC NEXUS.
Comment: The RAD51C c.905-2_905-1delAG variant has been reported in individuals with ovarian cancer (PMID: 26822949; 26261251).

Leiden Open Variation Database
Classification: Uncertain significance. Last evaluated: 2019-07-20. Review status: no assertion criteria provided. Collection method: curation. Allele origin: germline. Affected: yes. Not counted in ClinVar's aggregate classification.
Comment: Curator: Arleen D. Auerbach. Submitter to LOVD: Zdenek Kleibl.

CZECANCA consortium
Classification: Likely pathogenic for Breast and/or ovarian cancer. Last evaluated: 2019-06-11. Review status: no assertion criteria provided. Collection method: clinical testing. Allele origin: germline. Affected: yes. Observed: 3 variant alleles. Not counted in ClinVar's aggregate classification.

Counsyl
Classification: Likely pathogenic for Fanconi anemia complementation group O; Breast-ovarian cancer, familial, susceptibility to, 3. Last evaluated: 2017-10-17. Review status: no assertion criteria provided. Collection method: clinical testing. Allele origin: unknown. Not counted in ClinVar's aggregate classification.

Literature cited by the submitters: PubMed 26822949 (cited by 11 submitters); PubMed 26261251 (cited by 9 submitters); PubMed 12966089 (cited by Labcorp Genetics (formerly Invitae), Labcorp); PubMed 33333735 (cited by 6 submitters); PubMed 30333958 (cited by 3 submitters); PubMed 30613976 (cited by 4 submitters); PubMed 33471991 (cited by 4 submitters); PubMed 37065479 (cited by Quest Diagnostics Nichols Institute San Juan Capistrano and Color Diagnostics, LLC DBA Color Health); PubMed 29922827 (cited by Ambry Genetics); PubMed 30949688 (cited by Ambry Genetics); PubMed 26689913 (cited by Women's Health and Genetics/Laboratory Corporation of America, LabCorp); PubMed 31446535 (cited by Women's Health and Genetics/Laboratory Corporation of America, LabCorp); PubMed 32295079 (cited by CZECANCA consortium).